The following is an entry in ClinVar:

ClinVar aggregate classification (germline): Pathogenic (1 of 4 stars; one submission).

Conditions:
Alstrom syndrome (ALMS). Identifiers: Orphanet 64, MedGen C0268425, MONDO:0008763, OMIM 203800.

Allele frequency attached by ClinVar (database versions not stated): gnomAD exomes below 0.00001; ExAC 0.00002.

Submission:

Labcorp Genetics (formerly Invitae), Labcorp
Classification: Pathogenic for Alstrom syndrome. Last evaluated: 2023-08-24. Review status: criteria provided, single submitter. Criteria: Invitae Variant Classification Sherloc (09022015). Collection method: clinical testing. Allele origin: germline.
Comment: For these reasons, this variant has been classified as Pathogenic. This variant has not been reported in the literature in individuals affected with ALMS1-related conditions. This variant is present in population databases (rs773650701, gnomAD 0.01%). This sequence change creates a premature translational stop signal (p.Val1859Cysfs*5) in the ALMS1 gene. It is expected to result in an absent or disrupted protein product. Loss-of-function variants in ALMS1 are known to be pathogenic (PMID: 17594715).

Literature cited by the submitters: PubMed 17594715.

NM_001378454.1(ALMS1):c.5571dup (p.Val1858fs)

Gene: ALMS1 (ALMS1 centrosome and basal body associated protein; plus strand). Cytogenetic location: 2p13.1.
Variant type: Duplication.
Coding change: c.5571dup on transcript NM_001378454.1 (MANE Select); coding-DNA position 5571, one base duplicated (T; older notation c.5571dupT).
Protein change: p.Val1858fs; shifts the reading frame from valine 1858.
Molecular consequence: frameshift variant.
Genome position (GRCh38, 1-based): chr2:73,452,098, T duplicated. VCF-style (leftmost placement, unchanged base first): chr2-73452097-C-CT. GRCh37 (hg19) VCF-style: chr2-73679224-C-CT.
Other names: c.5574dup, p.Val1859fs (NM_015120.4); short protein forms V1858fs, V1859fs.
Identifiers: ClinVar variation 2978758 (VCV002978758.3), dbSNP rs773650701, ClinGen allele CA1713905.